The following is an entry in ClinVar:

NM_014476.6(PDLIM3):c.373C>T (p.Pro125Ser)

Genes: PDLIM3 (PDZ and LIM domain 3; minus strand), LOC126807246 (BRD4-independent group 4 enhancer GRCh37_chr4:186434842-186436041; plus strand). Cytogenetic location: 4q35.1.
Variant type: single nucleotide variant.
Coding change: c.373C>T on transcript NM_014476.6 (MANE Select); coding-DNA position 373, C replaced by T.
Protein change: p.Pro125Ser; replaces proline 125 with serine.
Molecular consequence: missense variant. On other transcripts: intron variant (1).
Genome position (GRCh38, 1-based): chr4:185,514,295, G>A on the plus strand (C>T on the coding strand, the complement: PDLIM3 is on the minus strand). VCF-style: chr4-185514295-G-A. GRCh37 (hg19) VCF-style: chr4-186435449-G-A.
Other names: c.373C>T, p.Pro125Ser (NM_001257962.2); c.136C>T, p.Pro46Ser (NM_001257963.2); c.518+408C>T (NM_001114107.5); short protein forms P125S, P46S.
Identifiers: ClinVar variation 3750975 (VCV003750975.2).

ClinVar aggregate classification (germline): Uncertain significance (1 of 4 stars; one submission).

Conditions:
Primary dilated cardiomyopathy (DCM). Also called: Dilated Cardiomyopathy. Identifiers: Orphanet 217604, MedGen C0007193, MeSH D002311, MONDO:0005021, HP:0001644. Inheritance: Various modes of inheritance.
Hypertrophic cardiomyopathy. Also called: HYPERTROPHIC MYOCARDIOPATHY. Identifiers: Orphanet 217569, MedGen C0007194, MeSH D002312, MONDO:0005045, HP:0001639.

Submission:

Labcorp Genetics (formerly Invitae), Labcorp
Classification: Uncertain significance for Hypertrophic cardiomyopathy; Primary dilated cardiomyopathy. Last evaluated: 2024-05-31. Review status: criteria provided, single submitter. Criteria: Invitae Variant Classification Sherloc (09022015). Collection method: clinical testing. Allele origin: germline.
Comment: This sequence change replaces proline, which is neutral and non-polar, with serine, which is neutral and polar, at codon 125 of the PDLIM3 protein (p.Pro125Ser). This variant is not present in population databases (gnomAD no frequency). This variant has not been reported in the literature in individuals affected with PDLIM3-related conditions. An algorithm developed to predict the effect of missense changes on protein structure and function (PolyPhen-2) suggests that this variant is likely to be disruptive. In summary, the available evidence is currently insufficient to determine the role of this variant in disease. Therefore, it has been classified as a Variant of Uncertain Significance.